The following is an entry in ClinVar:

ClinVar aggregate classification (germline): Uncertain significance (1 of 4 stars; one submission).

Conditions:
Hereditary cancer-predisposing syndrome. Also called: Hereditary Cancer Syndrome; Hereditary neoplastic syndrome; Neoplastic Syndromes, Hereditary; Tumor predisposition. Identifiers: Orphanet 140162, MedGen C0027672, MeSH D009386, MONDO:0015356.
Cardiovascular phenotype. Identifiers: MedGen CN230736.

Submission:

Ambry Genetics
Classification: Uncertain significance for Cardiovascular phenotype; Hereditary cancer-predisposing syndrome. Last evaluated: 2026-09-04. Review status: criteria provided, single submitter. Criteria: Ambry Variant Classification Scheme 2023. Collection method: clinical testing. Allele origin: germline.
Comment: The p.W425R variant (also known as c.1273T>C), located in coding exon 12 of the NF1 gene, results from a T to C substitution at nucleotide position 1273. The tryptophan at codon 425 is replaced by arginine, an amino acid with dissimilar properties. This amino acid position is highly conserved in available vertebrate species. In addition, this alteration is predicted to be deleterious by in silico analysis. Based on the available evidence, the clinical significance of this variant remains unclear.

NM_001042492.3(NF1):c.1273T>C (p.Trp425Arg)

Gene: NF1 (neurofibromin 1; plus strand). Cytogenetic location: 17q11.2.
Variant type: single nucleotide variant.
Coding change: c.1273T>C on transcript NM_001042492.3 (MANE Select); coding-DNA position 1273, T replaced by C.
Protein change: p.Trp425Arg; replaces tryptophan 425 with arginine.
Molecular consequence: missense variant.
Genome position (GRCh38, 1-based): chr17:31,206,252, T>C. VCF-style: chr17-31206252-T-C. GRCh37 (hg19) VCF-style: chr17-29533270-T-C.
Other names: c.1273T>C, p.Trp425Arg (NM_000267.4, NM_001128147.3); short protein forms W425R.
Identifiers: ClinVar variation 2452313 (VCV002452313.3), dbSNP rs2544810835, ClinGen allele CA398999106.